The following is an entry in ClinVar:

ClinVar aggregate classification (germline): Uncertain significance (1 of 4 stars; one submission).

Submission:

Labcorp Genetics (formerly Invitae), Labcorp
Classification: Uncertain significance. Last evaluated: 2024-07-24. Review status: criteria provided, single submitter. Criteria: Invitae Variant Classification Sherloc (09022015). Collection method: clinical testing. Allele origin: germline.
Comment: This sequence change affects codon 470 of the EFEMP1 mRNA. It is a 'silent' change, meaning that it does not change the encoded amino acid sequence of the EFEMP1 protein. This variant is not present in population databases (gnomAD no frequency). This variant has not been reported in the literature in individuals affected with EFEMP1-related conditions. Algorithms developed to predict the effect of sequence changes on RNA splicing suggest that this variant may disrupt the consensus splice site. In summary, the available evidence is currently insufficient to determine the role of this variant in disease. Therefore, it has been classified as a Variant of Uncertain Significance.

NM_001039348.3(EFEMP1):c.1410C>T (p.Val470=)

Gene: EFEMP1 (EGF-like fibulin extracellular matrix protein 1; minus strand). Cytogenetic location: 2p16.1.
Variant type: single nucleotide variant.
Coding change: c.1410C>T on transcript NM_001039348.3 (MANE Select); coding-DNA position 1410, C replaced by T.
Protein change: p.Val470=; no amino-acid change (valine 470 retained).
Molecular consequence: synonymous variant.
Genome position (GRCh38, 1-based): chr2:55,867,145, G>A on the plus strand (C>T on the coding strand, the complement: EFEMP1 is on the minus strand). VCF-style: chr2-55867145-G-A. GRCh37 (hg19) VCF-style: chr2-56094280-G-A.
Other names: c.1410C>T, p.Val470= (NM_001039349.3).
Identifiers: ClinVar variation 3660545 (VCV003660545.2).
Genomic context (GRCh38, chr2:55,867,145, plus strand): 5'-TGGCCCCACTATTATTGTCAATCTTAACACAGAGCTTGTGCGGAAGGTCCCTATACTGCT[G>A]ACTGTCAGCATCTCCAGGTCCACGATATGTTCTCTTGGTCCTGATAATGACTTCACGAGC-3'
Protein context (NP_001034437.1, residues 460-480): EHIVDLEMLT[Val470=]SSIGTFRTSS